The following is an entry in ClinVar:

NM_016475.5(JKAMP):c.443A>G (p.Glu148Gly)

Genes: JKAMP (JNK1/MAPK8 associated membrane protein; plus strand), L3HYPDH (trans-L-3-hydroxyproline dehydratase; minus strand). Cytogenetic location: 14q23.1.
Variant type: single nucleotide variant.
Coding change: c.443A>G on transcript NM_016475.5 (MANE Select); coding-DNA position 443, A replaced by G.
Protein change: p.Glu148Gly; replaces glutamic acid 148 with glycine.
Molecular consequence: missense variant.
Genome position (GRCh38, 1-based): chr14:59,495,209, A>G. VCF-style: chr14-59495209-A-G. GRCh37 (hg19) VCF-style: chr14-59961927-A-G.
Other names: JKAMP, GLU148GLY (SCV006279838); c.425A>G, p.Glu142Gly (NM_001098625.3); c.485A>G, p.Glu162Gly (NM_001284201.2); c.467A>G, p.Glu156Gly (NM_001284202.2); c.254A>G, p.Glu85Gly (NM_001284203.2); c.443A>G, p.Glu148Gly (NM_001284204.2); short protein forms E142G, E148G, E156G, E162G, E85G.
Identifiers: ClinVar variation 4072202 (VCV004072202.2).

ClinVar aggregate classification (germline): Uncertain significance. Review status: criteria provided, single submitter (1 of 4 stars). 2 submissions from 2 submitters: Uncertain significance (1). 1 of the submissions does not count toward it. Last evaluated 2025-07-29.

Conditions:
JKAMP neurodevelopmental disorder.
Neurodevelopmental disorder with seizures and impaired intellectual and language development. Identifiers: MedGen CN381014, MONDO:0981032, OMIM 621533.

gnomAD v4.1: 1 of 1,609,046 alleles (0.000062%); highest among the groups gnomAD compares: Non-Finnish European, 0.000085%; no homozygotes.

Submissions (2):

Telethon Undiagnosed Diseases Program, Telethon Institute of Genetics and Medicine
Classification: Uncertain significance for JKAMP neurodevelopmental disorder. Last evaluated: 2025-07-29. Review status: criteria provided, single submitter. Criteria: ACMG Guidelines, 2015. Collection method: clinical testing. Allele origin: inherited. Inheritance: Autosomal recessive inheritance. Affected: yes. Observed: 1 compound heterozygote.
Comment: Whole exome sequencing was performed through GeneDx and analysis identified compound heterozygous variants in the JKAMP gene. A missense NM_016475.5:c.443 A>G.

OMIM
Classification: Pathogenic for NEURODEVELOPMENTAL DISORDER WITH SEIZURES AND IMPAIRED INTELLECTUAL AND LANGUAGE DEVELOPMENT. Last evaluated: 2026-03-10. Review status: no assertion criteria provided. Collection method: literature only. Allele origin: germline. Not counted in ClinVar's aggregate classification.

Literature cited by the submitters: PubMed 41643666 (cited by OMIM).